The following is an entry in ClinVar:

NM_000642.3(AGL):c.765G>A (p.Trp255Ter)

Gene: AGL (amylo-alpha-1,6-glucosidase and 4-alpha-glucanotransferase; plus strand). Cytogenetic location: 1p21.2.
Variant type: single nucleotide variant.
Coding change: c.765G>A on transcript NM_000642.3 (MANE Select); coding-DNA position 765, G replaced by A.
Protein change: p.Trp255Ter; replaces tryptophan 255 with a stop codon.
Molecular consequence: nonsense.
Genome position (GRCh38, 1-based): chr1:99,870,500, G>A. VCF-style: chr1-99870500-G-A. GRCh37 (hg19) VCF-style: chr1-100336056-G-A.
Other names: c.765G>A, p.Trp255Ter (NM_000028.3, NM_000643.3, NM_000644.3 and 3 more transcripts); c.717G>A, p.Trp239Ter (NM_000646.3); c.561G>A, p.Trp187Ter (NM_001425328.1, NM_001425329.1); c.387G>A, p.Trp129Ter (NM_001425332.1); short protein forms W129*, W187*, W239*, W255*.
Identifiers: ClinVar variation 4814459 (VCV004814459.1).

ClinVar aggregate classification (germline): Pathogenic (1 of 4 stars; one submission).

Conditions:
Glycogen storage disease type III (GSD3). Also called: FORBES DISEASE; Cori disease. Identifiers: Orphanet 366, MedGen C0017922, MONDO:0009291, OMIM 232400.

Submission:

Natera, Inc.
Classification: Pathogenic for Glycogen storage disease type III. Last evaluated: 2024-10-14. Review status: criteria provided, single submitter. Criteria: Natera Variant Classification Schema (03/2026). Collection method: clinical testing. Allele origin: germline.
Comment: The c.765G>A variant in AGL is a nonsense variant predicted to introduce a stop codon at amino acid 255. This variant is expected to result in nonsense mediated decay, truncation, or a dysfunctional protein product. This variant is rare in the general population with a frequency below the threshold expected for the associated phenotype(s). This variant has been observed in one or more individuals affected with the associated recessive disease, as either homozygous or compound heterozygous with a second variant (PMID: 33448466). Given the available evidence, this variant is classified as Pathogenic.

Literature cited by the submitters: PubMed 33448466.